The following is an entry in ClinVar:

ClinVar aggregate classification (germline): Uncertain significance (1 of 4 stars; one submission).

Conditions:
Neuropathy, hereditary sensory and autonomic, type 2A (HSAN2A). Also called: ACROOSTEOLYSIS, NEUROGENIC; ACROOSTEOLYSIS, GIACCAI TYPE; MORVAN DISEASE; NEUROPATHY, CONGENITAL SENSORY; NEUROPATHY, HEREDITARY SENSORY RADICULAR, AUTOSOMAL RECESSIVE; NEUROPATHY, HEREDITARY SENSORY, TYPE IIA. Identifiers: Orphanet 970, MedGen C2752089, MONDO:0024309, OMIM 201300.
Generalized epilepsy with febrile seizures plus, type 7 (GEFSP7). Also called: GEFS+, TYPE 7. Identifiers: Orphanet 36387, MedGen C2751778, MONDO:0013470, OMIM 613863.

Submission:

Labcorp Genetics (formerly Invitae), Labcorp
Classification: Uncertain significance for Neuropathy, hereditary sensory and autonomic, type 2A; Generalized epilepsy with febrile seizures plus, type 7. Last evaluated: 2023-03-23. Review status: criteria provided, single submitter. Criteria: Invitae Variant Classification Sherloc (09022015). Collection method: clinical testing. Allele origin: germline.
Comment: In summary, the available evidence is currently insufficient to determine the role of this variant in disease. Therefore, it has been classified as a Variant of Uncertain Significance. Experimental studies and prediction algorithms are not available or were not evaluated, and the functional significance of this variant is currently unknown. This variant has not been reported in the literature in individuals affected with SCN9A-related conditions. This variant is a gross deletion of the genomic region encompassing exon(s) 22-24 of the SCN9A gene. This variant would be expected to be in-frame, preserving the integrity of the reading frame.

NC_000002.12:g.(?_166226547)_(166228992_?)del

Genes: SCN1A-AS1 (SCN1A and SCN9A antisense RNA 1; plus strand), SCN9A (sodium voltage-gated channel alpha subunit 9; minus strand). Cytogenetic location: 2q24.3.
Variant type: Deletion.
Identifiers: ClinVar variation 471074 (VCV000471074.4).